The following is an entry in ClinVar:

NM_175614.5(NDUFA11):c.242G>A (p.Arg81His)

Gene: NDUFA11 (NADH:ubiquinone oxidoreductase subunit A11; minus strand). Cytogenetic location: 19p13.3.
Variant type: single nucleotide variant.
Coding change: c.242G>A on transcript NM_175614.5 (MANE Select); coding-DNA position 242, G replaced by A.
Protein change: p.Arg81His; replaces arginine 81 with histidine.
Molecular consequence: missense variant. On other transcripts: non-coding transcript variant (1).
Genome position (GRCh38, 1-based): chr19:5,896,524, C>T on the plus strand (G>A on the coding strand, the complement: NDUFA11 is on the minus strand). VCF-style: chr19-5896524-C-T. GRCh37 (hg19) VCF-style: chr19-5896535-C-T.
Other names: c.242G>A (NM_001193375.1); c.242G>A, p.Arg81His (NM_001193375.3); short protein forms R81H.
Identifiers: ClinVar variation 2416872 (VCV002416872.4), dbSNP rs752783429, ClinGen allele CA304693598.

ClinVar aggregate classification (germline): Uncertain significance. Review status: criteria provided, multiple submitters, no conflicts (2 of 4 stars). 2 submissions from 2 submitters: Uncertain significance (2). Last evaluated 2025-08-01.

Allele frequency attached by ClinVar (database versions not stated): gnomAD 0.00002; TOPMed 0.00004.
gnomAD v4.1: 43 of 1,569,154 alleles (0.0027%); highest among the groups gnomAD compares: Middle Eastern, 0.018%; no homozygotes.

Submissions (2):

Ambry Genetics
Classification: Uncertain significance. Last evaluated: 2025-08-01. Review status: criteria provided, single submitter. Criteria: Ambry Variant Classification Scheme 2023. Collection method: clinical testing. Allele origin: germline.

Labcorp Genetics (formerly Invitae), Labcorp
Classification: Uncertain significance. Last evaluated: 2022-07-15. Review status: criteria provided, single submitter. Criteria: Invitae Variant Classification Sherloc (09022015). Collection method: clinical testing. Allele origin: germline.
Comment: This sequence change replaces arginine, which is basic and polar, with histidine, which is basic and polar, at codon 81 of the NDUFA11 protein (p.Arg81His). The frequency data for this variant in the population databases is considered unreliable, as metrics indicate poor data quality at this position in the gnomAD database. This variant has not been reported in the literature in individuals affected with NDUFA11-related conditions. Algorithms developed to predict the effect of missense changes on protein structure and function (SIFT, PolyPhen-2, Align-GVGD) all suggest that this variant is likely to be disruptive. In summary, the available evidence is currently insufficient to determine the role of this variant in disease. Therefore, it has been classified as a Variant of Uncertain Significance.